The following is an entry in ClinVar:

NM_152443.3(RDH12):c.236C>T (p.Ala79Val)

Genes: GPHN (gephyrin; plus strand), RDH12 (retinol dehydrogenase 12; plus strand). Cytogenetic location: 14q24.1.
Variant type: single nucleotide variant.
Coding change: c.236C>T on transcript NM_152443.3 (MANE Select); coding-DNA position 236, C replaced by T.
Protein change: p.Ala79Val; replaces alanine 79 with valine.
Molecular consequence: missense variant.
Genome position (GRCh38, 1-based): chr14:67,725,147, C>T. VCF-style: chr14-67725147-C-T. GRCh37 (hg19) VCF-style: chr14-68191864-C-T.
Other names: short protein forms A79V.
Identifiers: ClinVar variation 1422638 (VCV001422638.6), dbSNP rs763414313, ClinGen allele CA7238649.

ClinVar aggregate classification (germline): Uncertain significance. Review status: criteria provided, multiple submitters, no conflicts (2 of 4 stars). 3 submissions from 3 submitters: Uncertain significance (3). Last evaluated 2023-04-18.

Conditions:
Leber congenital amaurosis 13 (LCA13). Identifiers: MedGen C2675186, MONDO:0012990, OMIM 612712.

Allele frequency attached by ClinVar (database versions not stated): ExAC 0.00001; gnomAD exomes 0.00001.
gnomAD v4.1: 4 of 1,614,186 alleles (0.00025%); highest among the groups gnomAD compares: East Asian, 0.0067%; no homozygotes.

Submissions (3):

Blueprint Genetics
Classification: Uncertain significance. Last evaluated: 2023-04-18. Review status: criteria provided, single submitter. Criteria: ACMG Guidelines, 2015. Collection method: clinical testing. Allele origin: germline.

Pangenia Genomics, Pangenia Inc.
Classification: Uncertain significance for Leber congenital amaurosis 13. Last evaluated: 2021-11-18. Review status: criteria provided, single submitter. Criteria: ACMG Guidelines, 2015. Collection method: research. Allele origin: unknown. Affected: yes.
Comment: The RDH12, c.236C>T (p.Ala79Val) variant is at extremely low frequency in population databases; allele frequency in East Asia population is 0.0001087 by gnomAD v2.1.1. Multiple lines of computational evidence support a deleterious effect on the gene or gene product (REVEL=0.577). Li et al 2011 [PMID: 21602930] reported that this heterozygous variant has been detected in a twins (LH16) affected by Leber congenital amaurosis (poor vision and nystagmus; onset from a few months after birth) with compound heterozygous deleterious variants identified in another gene CRB1.

Labcorp Genetics (formerly Invitae), Labcorp
Classification: Uncertain significance for Leber congenital amaurosis 13. Last evaluated: 2021-08-30. Review status: criteria provided, single submitter. Criteria: Invitae Variant Classification Sherloc (09022015). Collection method: clinical testing. Allele origin: germline.
Comment: This sequence change replaces alanine with valine at codon 79 of the RDH12 protein (p.Ala79Val). The alanine residue is highly conserved and there is a small physicochemical difference between alanine and valine. This variant is present in population databases (rs763414313, ExAC 0.01%). This missense change has been observed in individual(s) with Leber congenital amaurosis (PMID: 21602930). Algorithms developed to predict the effect of missense changes on protein structure and function are either unavailable or do not agree on the potential impact of this missense change (SIFT: "Deleterious"; PolyPhen-2: "Probably Damaging"; Align-GVGD: "Class C0"). In summary, the available evidence is currently insufficient to determine the role of this variant in disease. Therefore, it has been classified as a Variant of Uncertain Significance.

Literature cited by the submitters: PubMed 21602930 (cited by Pangenia Genomics, Pangenia Inc. and Labcorp Genetics (formerly Invitae), Labcorp).